The following is an entry in ClinVar:

ClinVar aggregate classification (germline): Benign. Review status: criteria provided, multiple submitters, no conflicts (2 of 4 stars). 4 submissions from 4 submitters: Benign (4). Last evaluated 2021-07-15.

Conditions:
Eichsfeld type congenital muscular dystrophy (CMYO3). Also called: MYOPATHY, SEPN1-RELATED; Rigid spine muscular dystrophy 1; SELENON-related myopathy; Congenital myopathy 3 with rigid spine. Identifiers: MedGen C0410180, MONDO:0100100, OMIM 602771.

Allele frequency attached by ClinVar (database versions not stated): ESP Exome Variant Server 0.68480; gnomAD 0.68499 and 0.69706; TOPMed 0.69397; 1000 Genomes Project 30x 0.73735; 1000 Genomes Project 0.74700; gnomAD exomes 0.77616 and 0.79034; ExAC 0.78613.
gnomAD v4.1: 1,236,674 of 1,608,850 alleles (77%); highest among the groups gnomAD compares: East Asian, 96%; 481,014 homozygotes.

Submissions (4):

Genome-Nilou Lab
Classification: Benign for Eichsfeld type congenital muscular dystrophy. Last evaluated: 2021-07-15. Review status: criteria provided, single submitter. Criteria: ACMG Guidelines, 2015. Collection method: clinical testing. Allele origin: germline. Affected: no.

GeneDx
Classification: Benign. Last evaluated: 2018-06-14. Review status: criteria provided, single submitter. Criteria: GeneDx Variant Classification (06012015). Collection method: clinical testing. Allele origin: germline. Affected: yes.
Comment: This variant is considered likely benign or benign based on one or more of the following criteria: it is a conservative change, it occurs at a poorly conserved position in the protein, it is predicted to be benign by multiple in silico algorithms, and/or has population frequency not consistent with disease.

Breakthrough Genomics
Classification: Benign. Review status: criteria provided, single submitter. Criteria: ACMG Guidelines, 2015. Collection method: not provided. Allele origin: germline. Inheritance: Autosomal recessive inheritance. Affected: yes.

PreventionGenetics, part of Exact Sciences
Classification: Benign. Review status: criteria provided, single submitter. Criteria: ACMG Guidelines, 2015. Collection method: clinical testing. Allele origin: germline.

NM_206926.2(SELENON):c.991-46C>A

Gene: SELENON (selenoprotein N; plus strand). Cytogenetic location: 1p36.11.
Variant type: single nucleotide variant.
Coding change: c.991-46C>A on transcript NM_206926.2 (MANE Select); 46 bases into the intron before coding-DNA position 991, C replaced by A.
Molecular consequence: intron variant.
Genome position (GRCh38, 1-based): chr1:25,811,645, C>A. VCF-style: chr1-25811645-C-A. GRCh37 (hg19) VCF-style: chr1-26138136-C-A.
Other names: c.1093-46C>A (NM_020451.3).
Identifiers: ClinVar variation 261271 (VCV000261271.5), dbSNP rs760598, ClinGen allele CA696754.